The following is an entry in ClinVar:

NM_000875.5(IGF1R):c.1998C>T (p.Asp666=)

Gene: IGF1R (insulin like growth factor 1 receptor; plus strand). Cytogenetic location: 15q26.3.
Variant type: single nucleotide variant.
Coding change: c.1998C>T on transcript NM_000875.5 (MANE Select); coding-DNA position 1998, C replaced by T.
Protein change: p.Asp666=; no amino-acid change (aspartic acid 666 retained).
Molecular consequence: synonymous variant.
Genome position (GRCh38, 1-based): chr15:98,916,673, C>T. VCF-style: chr15-98916673-C-T. GRCh37 (hg19) VCF-style: chr15-99459902-C-T.
Other names: c.1998C>T, p.Asp666= (NM_001291858.2).
Identifiers: ClinVar variation 4883115 (VCV004883115.2).
Genomic context (GRCh38, chr15:98,916,673, plus strand): 5'-ACAAGCATGTATAACGGCTTTCATTCCCACTCTTGTTTTGGCTTTTCTTTTCCGAGAAGA[C>T]AAAATCCCCATCAGGAAGTATGCCGACGGCACCATCGACATTGAGGAGGTCACAGAGAAC-3'
Protein context (NP_000866.1, residues 656-676): YLYRHNYCSK[Asp666=]KIPIRKYADG

ClinVar aggregate classification (germline): Uncertain significance (1 of 4 stars; one submission).

Submission:

Dasa
Classification: Uncertain significance. Last evaluated: 2025-02-20. Review status: criteria provided, single submitter. Criteria: DASA Assertion Criteria. Collection method: clinical testing. Allele origin: germline.
Comment: NM_000875.5(IGF1R):c.1998C>T (p.Asp666=) is a synonymous variant predicted not to alter the encoded amino acid sequence. This variant is absent from population databases. The currently available literature and clinical evidence are not sufficient to establish a definitive association between this variant and the reported condition. Therefore, this variant is classified as a variant of uncertain significance.